The following is an entry in ClinVar:

NM_001384910.1(GUCA1A):c.572_586dup (p.Glu195_Ala196insGluGlyAlaAspGlu)

Genes: GUCA1A (guanylate cyclase activator 1A; plus strand), GUCA1ANB-GUCA1A (GUCA1ANB-GUCA1A readthrough; plus strand). Cytogenetic location: 6p21.1.
Variant type: Duplication.
Coding change: c.572_586dup on transcript NM_001384910.1 (MANE Select); coding-DNA positions 572 to 586, 15 bases duplicated (AGGGGGCTGACGAGG).
Protein change: p.Glu195_Ala196insGluGlyAlaAspGlu.
Molecular consequence: inframe insertion.
Genome position (GRCh38, 1-based): chr6:42,179,369-42,179,383, AGGGGGCTGACGAGG duplicated; duplicating any 15 consecutive bases within chr6:42,179,362-42,179,383 gives the same sequence; the c. name uses the placement nearest the transcript's 3' end. VCF-style (leftmost placement, unchanged base first): chr6-42179361-A-AGACGAGGAGGGGGCT. GRCh37 (hg19) VCF-style: chr6-42147099-A-AGACGAGGAGGGGGCT.
Other names: c.572_586dup, p.Glu195_Ala196insGluGlyAlaAspGlu (NM_000409.5, NM_001319061.2, NM_001319062.2).
Identifiers: ClinVar variation 1943069 (VCV001943069.5), dbSNP rs2546720021, ClinGen allele CA1088298511.
Genomic context (GRCh38, chr6:42,179,361, plus strand): 5'-CACACTGACACGAAGCCTGGACCTTACCCGCATCGTGCGCAGGCTCCAGAATGGCGAGCA[A>AGACGAGGAGGGGGCT]GACGAGGAGGGGGCTGACGAGGCCGCTGAGGCAGCCGGCTGAGTGCACCGCCCGGCTGCT-3'

ClinVar aggregate classification (germline): Uncertain significance (1 of 4 stars; one submission).

Submission:

Labcorp Genetics (formerly Invitae), Labcorp
Classification: Uncertain significance. Last evaluated: 2022-07-20. Review status: criteria provided, single submitter. Criteria: Invitae Variant Classification Sherloc (09022015). Collection method: clinical testing. Allele origin: germline.
Comment: In summary, the available evidence is currently insufficient to determine the role of this variant in disease. Therefore, it has been classified as a Variant of Uncertain Significance. Experimental studies and prediction algorithms are not available or were not evaluated, and the functional significance of this variant is currently unknown. This variant has not been reported in the literature in individuals affected with GUCA1A-related conditions. This variant is not present in population databases (gnomAD no frequency). This variant, c.572_586dup, results in the insertion of 5 amino acid(s) of the GUCA1A protein (p.Glu191_Glu195dup), but otherwise preserves the integrity of the reading frame.